The following is an entry in ClinVar:

ClinVar aggregate classification (germline): Uncertain significance. Review status: criteria provided, multiple submitters, no conflicts (2 of 4 stars). 2 submissions from 2 submitters: Uncertain significance (2). Last evaluated 2025-06-01.

Conditions:
Insulin-dependent diabetes mellitus secretory diarrhea syndrome (IPEX). Also called: DIABETES MELLITUS, CONGENITAL INSULIN-DEPENDENT, WITH FATAL SECRETORY DIARRHEA; DIARRHEA, POLYENDOCRINOPATHY, FATAL INFECTION SYNDROME, X-LINKED; ENTEROPATHY, AUTOIMMUNE, WITH HEMOLYTIC ANEMIA AND POLYENDOCRINOPATHY; IMMUNODEFICIENCY, POLYENDOCRINOPATHY, AND ENTEROPATHY, X-LINKED; Immunodysregulation, polyendocrinopathy, and enteropathy, X-linked; X-Linked Autoimmunity-Allergic Dysregulation Syndrome. Identifiers: Orphanet 37042, MedGen C0342288, MONDO:0010580, OMIM 304790. Disease mechanism: loss of function.

gnomAD v4.1: 4 of 1,200,809 alleles (0.00033%); highest among the groups gnomAD compares: East Asian, 0.003%; no homozygotes.

Submissions (2):

Labcorp Genetics (formerly Invitae), Labcorp
Classification: Uncertain significance for Insulin-dependent diabetes mellitus secretory diarrhea syndrome. Last evaluated: 2025-06-01. Review status: criteria provided, single submitter. Criteria: Invitae Variant Classification Sherloc (09022015). Collection method: clinical testing. Allele origin: germline.
Comment: This sequence change replaces asparagine, which is neutral and polar, with serine, which is neutral and polar, at codon 361 of the FOXP3 protein (p.Asn361Ser). This variant is present in population databases (no rsID available, gnomAD 0.001%). This variant has not been reported in the literature in individuals affected with FOXP3-related conditions. Invitae Evidence Modeling of protein sequence and biophysical properties (such as structural, functional, and spatial information, amino acid conservation, physicochemical variation, residue mobility, and thermodynamic stability) indicates that this missense variant is not expected to disrupt FOXP3 protein function with a negative predictive value of 80%. In summary, the available evidence is currently insufficient to determine the role of this variant in disease. Therefore, it has been classified as a Variant of Uncertain Significance.

Blueprint Genetics
Classification: Uncertain significance. Last evaluated: 2022-07-07. Review status: criteria provided, single submitter. Criteria: ACMG Guidelines, 2015. Collection method: clinical testing. Allele origin: germline.

NM_014009.4(FOXP3):c.1082A>G (p.Asn361Ser)

Gene: FOXP3 (forkhead box P3; minus strand). Cytogenetic location: Xp11.23.
Variant type: single nucleotide variant.
Coding change: c.1082A>G on transcript NM_014009.4 (MANE Select); coding-DNA position 1082, A replaced by G.
Protein change: p.Asn361Ser; replaces asparagine 361 with serine.
Molecular consequence: missense variant.
Genome position (GRCh38, 1-based): chrX:49,251,728, T>C on the plus strand (A>G on the coding strand, the complement: FOXP3 is on the minus strand). VCF-style: chrX-49251728-T-C. GRCh37 (hg19) VCF-style: chrX-49108189-T-C.
Other names: c.977A>G, p.Asn326Ser (NM_001114377.2); short protein forms N361S, N326S.
Identifiers: ClinVar variation 4695041 (VCV004695041.2).